The following is an entry in ClinVar:

NM_013444.4(UBQLN2):c.-163G>T

Gene: UBQLN2 (ubiquilin 2; plus strand). Cytogenetic location: Xp11.21.
Variant type: single nucleotide variant.
Coding change: c.-163G>T on transcript NM_013444.4 (MANE Select); 163 bases upstream of the start codon, G replaced by T.
Molecular consequence: 5 prime UTR variant.
Genome position (GRCh38, 1-based): chrX:56,563,711, G>T. VCF-style: chrX-56563711-G-T. GRCh37 (hg19) VCF-style: chrX-56590144-G-T.
Identifiers: ClinVar variation 368605 (VCV000368605.7), dbSNP rs192883799, ClinGen allele CA10646354.

ClinVar aggregate classification (germline): Benign/Likely benign. Review status: criteria provided, multiple submitters, no conflicts (2 of 4 stars). 2 submissions from 2 submitters: Benign (1); Likely benign (1). Last evaluated 2018-01-13.

Conditions:
Amyotrophic lateral sclerosis type 15. Also called: AMYOTROPHIC LATERAL SCLEROSIS 15 WITH FRONTOTEMPORAL DEMENTIA. Identifiers: Orphanet 803, MedGen C3275459, MONDO:0010459, OMIM 300857.

Allele frequency attached by ClinVar (database versions not stated): gnomAD 0.00010 and 0.00203; TOPMed 0.00041; gnomAD exomes 0.00488; 1000 Genomes Project 30x 0.01707; 1000 Genomes Project 0.01960.

Submissions (2):

Illumina Laboratory Services, Illumina
Classification: Benign for Amyotrophic lateral sclerosis type 15. Last evaluated: 2018-01-13. Review status: criteria provided, single submitter. Criteria: ICSL Variant Classification Criteria 13 December 2019. Collection method: clinical testing. Allele origin: germline.
Comment: This variant was observed in the ICSL laboratory as part of a predisposition screen in an ostensibly healthy population. It had not been previously curated by ICSL or reported in the Human Gene Mutation Database (HGMD: prior to June 1st, 2018), and was therefore a candidate for classification through an automated scoring system. Utilizing variant allele frequency, disease prevalence and penetrance estimates, and inheritance mode, an automated score was calculated to assess if this variant is too frequent to cause the disease. Based on the score and internal cut-off values, a variant classified as benign is not then subjected to further curation. The score for this variant resulted in a classification of benign for this disease.

Breakthrough Genomics
Classification: Likely benign. Review status: criteria provided, single submitter. Criteria: ACMG Guidelines, 2015. Collection method: not provided. Allele origin: germline. Inheritance: X-linked inheritance. Affected: yes.